The following is an entry in ClinVar:

ClinVar aggregate classification (germline): Uncertain significance (1 of 4 stars; one submission).

Conditions:
Familial cancer of breast. Also called: hereditary breast carcinoma; BREAST CANCER, FAMILIAL; Hereditary breast cancer. Identifiers: Orphanet 227535, MedGen C0346153, MONDO:0016419, OMIM 114480. Disease mechanism: loss of function.

Submission:

Labcorp Genetics (formerly Invitae), Labcorp
Classification: Uncertain significance for Familial cancer of breast. Last evaluated: 2021-04-02. Review status: criteria provided, single submitter. Criteria: Invitae Variant Classification Sherloc (09022015). Collection method: clinical testing. Allele origin: germline.
Comment: In summary, the available evidence is currently insufficient to determine the role of this variant in disease. Therefore, it has been classified as a Variant of Uncertain Significance. Algorithms developed to predict the effect of missense changes on protein structure and function (SIFT, PolyPhen-2, Align-GVGD) all suggest that this variant is likely to be tolerated, but these predictions have not been confirmed by published functional studies and their clinical significance is uncertain. This variant has not been reported in the literature in individuals with BARD1-related conditions. This variant is not present in population databases (ExAC no frequency). This sequence change replaces lysine with glutamic acid at codon 170 of the BARD1 protein (p.Lys170Glu). The lysine residue is weakly conserved and there is a small physicochemical difference between lysine and glutamic acid.

NM_000465.4(BARD1):c.508A>G (p.Lys170Glu)

Gene: BARD1 (BRCA1 associated RING domain 1; minus strand). Cytogenetic location: 2q35.
Variant type: single nucleotide variant.
Coding change: c.508A>G on transcript NM_000465.4 (MANE Select); coding-DNA position 508, A replaced by G.
Protein change: p.Lys170Glu; replaces lysine 170 with glutamic acid.
Molecular consequence: missense variant. On other transcripts: non-coding transcript variant (2), intron variant (3).
Genome position (GRCh38, 1-based): chr2:214,781,366, T>C on the plus strand (A>G on the coding strand, the complement: BARD1 is on the minus strand). VCF-style: chr2-214781366-T-C. GRCh37 (hg19) VCF-style: chr2-215646090-T-C.
Other names: c.451A>G, p.Lys151Glu (NM_001282543.2); c.158+28046A>G (NM_001282548.2); c.215+15695A>G (NM_001282545.2); c.364+10931A>G (NM_001282549.2); short protein forms K151E, K170E.
Identifiers: ClinVar variation 1522135 (VCV001522135.9), dbSNP rs2106112066, ClinGen allele CA350457504.